The following is an entry in ClinVar:

ClinVar aggregate classification (germline): Uncertain significance (1 of 4 stars; one submission).

Conditions:
Nemaline myopathy 6 (NEM6). Also called: Nemaline myopathy 6, autosomal dominant. Identifiers: Orphanet 171439, MedGen C1836472, MONDO:0012237, OMIM 609273.

Submission:

Labcorp Genetics (formerly Invitae), Labcorp
Classification: Uncertain significance for Nemaline myopathy 6. Last evaluated: 2023-07-10. Review status: criteria provided, single submitter. Criteria: Invitae Variant Classification Sherloc (09022015). Collection method: clinical testing. Allele origin: germline.
Comment: This variant is not present in population databases (gnomAD no frequency). In summary, the available evidence is currently insufficient to determine the role of this variant in disease. Therefore, it has been classified as a Variant of Uncertain Significance. Advanced modeling of protein sequence and biophysical properties (such as structural, functional, and spatial information, amino acid conservation, physicochemical variation, residue mobility, and thermodynamic stability) performed at Invitae indicates that this missense variant is not expected to disrupt KBTBD13 protein function. ClinVar contains an entry for this variant (Variation ID: 2156299). This variant has not been reported in the literature in individuals affected with KBTBD13-related conditions. This sequence change replaces alanine, which is neutral and non-polar, with aspartic acid, which is acidic and polar, at codon 334 of the KBTBD13 protein (p.Ala334Asp).

NM_001101362.3(KBTBD13):c.1001C>A (p.Ala334Asp)

Gene: KBTBD13 (kelch repeat and BTB domain containing 13; plus strand). Cytogenetic location: 15q22.31.
Variant type: single nucleotide variant.
Coding change: c.1001C>A on transcript NM_001101362.3 (MANE Select); coding-DNA position 1001, C replaced by A.
Protein change: p.Ala334Asp; replaces alanine 334 with aspartic acid.
Molecular consequence: missense variant.
Genome position (GRCh38, 1-based): chr15:65,077,816, C>A. VCF-style: chr15-65077816-C-A. GRCh37 (hg19) VCF-style: chr15-65370154-C-A.
Other names: short protein forms A334D.
Identifiers: ClinVar variation 2156299 (VCV002156299.4), dbSNP rs200804273, ClinGen allele CA392864946.